The following is an entry in ClinVar:

ClinVar aggregate classification (germline): Pathogenic (1 of 4 stars; one submission).

Conditions:
3-methylcrotonyl-CoA carboxylase 2 deficiency. Also called: METHYLCROTONYLGLYCINURIA, TYPE II; 3 alpha methylcrotonyl-CoA carboxylase 2 deficiency; 3 alpha methylcrotonylglycinuria 2; MCC 2 deficiency; Methylcrotonylglycinuria type 2. Identifiers: Orphanet 6, MedGen C1859499, MONDO:0008862, OMIM 210210.

Submission:

Labcorp Genetics (formerly Invitae), Labcorp
Classification: Pathogenic for 3-methylcrotonyl-CoA carboxylase 2 deficiency. Last evaluated: 2021-07-30. Review status: criteria provided, single submitter. Criteria: Invitae Variant Classification Sherloc (09022015). Collection method: clinical testing. Allele origin: germline.
Comment: This variant is a gross deletion of the genomic region encompassing exon(s) 7 of the MCCC2 gene. This variant would be expected to be in-frame, preserving the integrity of the reading frame. This variant has not been reported in the literature in individuals affected with MCCC2-related conditions. This variant disrupts a region of the MCCC2 protein in which other variant(s) (p.Asn230) have been determined to be pathogenic (PMID: 27601257). This suggests that this is a clinically significant region of the protein, and that variants that disrupt it are likely to be disease-causing. For these reasons, this variant has been classified as Pathogenic.

Literature cited by the submitters: PubMed 27601257.

NC_000005.9:g.(?_70922457)_(70922590_?)del

Gene: MCCC2 (methylcrotonyl-CoA carboxylase subunit 2; plus strand). Cytogenetic location: 5q13.2.
Variant type: Deletion.
Identifiers: ClinVar variation 1458918 (VCV001458918.4).